The following is an entry in ClinVar:

ClinVar aggregate classification (germline): Likely benign. Review status: criteria provided, multiple submitters, no conflicts (2 of 4 stars). 3 submissions from 3 submitters: Likely benign (3). Last evaluated 2026-06-15.

Conditions:
Autosomal recessive polycystic kidney disease (ARPKD). Also called: AR polycystic kidney disease. Identifiers: Orphanet 731, Orphanet 8378, MedGen C0085548, MeSH D017044, MONDO:0009889.
Polycystic kidney disease 4 (PKD4). Also called: PKD3; POLYCYSTIC KIDNEY DISEASE 4 WITH OR WITHOUT POLYCYSTIC LIVER DISEASE; Autosomal Recessive Polycystic Kidney Disease – PKHD1; POLYCYSTIC KIDNEY AND HEPATIC DISEASE 1; POLYCYSTIC KIDNEY DISEASE, INFANTILE, TYPE I. Identifiers: MedGen C4540575, MONDO:0033004, OMIM 263200.
PKHD1-related disorder. Also called: PKHD1-related condition.

Allele frequency attached by ClinVar (database versions not stated): TOPMed below 0.00001; gnomAD exomes 0.00001 and 0.00002; ExAC 0.00002.
gnomAD v4.1: 11 of 1,611,228 alleles (0.00068%); highest among the groups gnomAD compares: South Asian, 0.012%; no homozygotes.

Submissions (3):

PreventionGenetics, part of Exact Sciences
Classification: Likely benign for PKHD1-related condition. Last evaluated: 2026-06-15. Review status: criteria provided, single submitter. Criteria: ACMG Guidelines, 2015. Collection method: clinical testing. Allele origin: germline.
Comment: This variant is classified as likely benign based on ACMG/AMP sequence variant interpretation guidelines (Richards et al. 2015 PMID: 25741868, with internal and published modifications).

Labcorp Genetics (formerly Invitae), Labcorp
Classification: Likely benign for Autosomal recessive polycystic kidney disease. Last evaluated: 2026-01-30. Review status: criteria provided, single submitter. Criteria: Invitae Variant Classification Sherloc (09022015). Collection method: clinical testing. Allele origin: germline.

Fulgent Genetics
Classification: Likely benign for Polycystic kidney disease 4. Last evaluated: 2022-03-16. Review status: criteria provided, single submitter. Criteria: ACMG Guidelines, 2015. Collection method: clinical testing. Allele origin: unknown.

NM_138694.4(PKHD1):c.7914C>T (p.Tyr2638=)

Gene: PKHD1 (PKHD1 ciliary IPT domain containing fibrocystin/polyductin; minus strand). Cytogenetic location: 6p12.2.
Variant type: single nucleotide variant.
Coding change: c.7914C>T on transcript NM_138694.4 (MANE Select); coding-DNA position 7914, C replaced by T.
Protein change: p.Tyr2638=; no amino-acid change (tyrosine 2638 retained).
Molecular consequence: synonymous variant.
Genome position (GRCh38, 1-based): chr6:51,847,968, G>A on the plus strand (C>T on the coding strand, the complement: PKHD1 is on the minus strand). VCF-style: chr6-51847968-G-A. GRCh37 (hg19) VCF-style: chr6-51712766-G-A.
Other names: c.7914C>T, p.Tyr2638= (NM_170724.3); c.7914C>T (NM_138694.3).
Identifiers: ClinVar variation 1087149 (VCV001087149.11), dbSNP rs753436694, ClinGen allele CA3851783.